The following is an entry in ClinVar:

NM_033004.4(NLRP1):c.3915+159A>G

Gene: NLRP1 (NLR family pyrin domain containing 1; minus strand). Cytogenetic location: 17p13.2.
Variant type: single nucleotide variant.
Coding change: c.3915+159A>G on transcript NM_033004.4 (MANE Select); 159 bases into the intron after coding-DNA position 3915, A replaced by G.
Molecular consequence: intron variant.
Genome position (GRCh38, 1-based): chr17:5,520,722, T>C on the plus strand (A>G on the coding strand, the complement: NLRP1 is on the minus strand). VCF-style: chr17-5520722-T-C. GRCh37 (hg19) VCF-style: chr17-5424042-T-C.
Other names: c.3927+159A>G (NM_001033053.3); c.3693+802A>G (NM_033007.4); c.3825+159A>G (NM_033006.4); c.3783+802A>G (NM_014922.5).
Identifiers: ClinVar variation 2628174 (VCV002628174.2), dbSNP rs12937224, ClinGen allele CA14369557.

ClinVar aggregate classification (germline): Benign (1 of 4 stars; one submission).

Allele frequency attached by ClinVar (database versions not stated): 1000 Genomes Project 0.41953; 1000 Genomes Project 30x 0.42661; TOPMed 0.46850; gnomAD 0.46951.
gnomAD v4.1: 71,363 of 151,980 alleles (47%); highest among the groups gnomAD compares: African/African-American, 50%; 16,946 homozygotes.

Submission:

Unidad de Genómica Garrahan, Hospital de Pediatría Garrahan
Classification: Benign. Last evaluated: 2023-11-12. Review status: criteria provided, single submitter. Criteria: ACMG Guidelines, 2015. Collection method: clinical testing. Allele origin: germline. Affected: no. Observed: 48 variant alleles.
Comment: This variant is classified as Benign based on local population frequency. This variant was detected in 50% of patients studied by a panel of primary immunodeficiencies. Number of patients: 48. Only high quality variants are reported.